The following is an entry in ClinVar:

ClinVar aggregate classification (germline): Uncertain significance (1 of 4 stars; one submission).

Conditions:
Heterotaxy, visceral, 5, autosomal (HTX5). Also called: Heterotaxy, visceral, 5. Identifiers: Orphanet 450, MedGen C3495537, MONDO:0700112, OMIM 270100.

Submission:

Labcorp Genetics (formerly Invitae), Labcorp
Classification: Uncertain significance for Heterotaxy, visceral, 5, autosomal. Last evaluated: 2018-09-21. Review status: criteria provided, single submitter. Criteria: Invitae Variant Classification Sherloc (09022015). Collection method: clinical testing. Allele origin: germline.
Comment: This sequence change replaces leucine with valine at codon 227 of the NODAL protein (p.Leu227Val). The leucine residue is highly conserved and there is a small physicochemical difference between leucine and valine. In summary, the available evidence is currently insufficient to determine the role of this variant in disease. Therefore, it has been classified as a Variant of Uncertain Significance. Algorithms developed to predict the effect of sequence changes on RNA splicing suggest that this variant may create or strengthen a splice site, but this prediction has not been confirmed by published transcriptional studies. Algorithms developed to predict the effect of missense changes on protein structure and function (SIFT, PolyPhen-2, Align-GVGD) all suggest that this variant is likely to be tolerated, but these predictions have not been confirmed by published functional studies and their clinical significance is uncertain. This variant has not been reported in the literature in individuals with NODAL-related disease. This variant is not present in population databases (ExAC no frequency).

NM_018055.5(NODAL):c.679C>G (p.Leu227Val)

Gene: NODAL (nodal growth differentiation factor; minus strand). Cytogenetic location: 10q22.1.
Variant type: single nucleotide variant.
Coding change: c.679C>G on transcript NM_018055.5 (MANE Select); coding-DNA position 679, C replaced by G.
Protein change: p.Leu227Val; replaces leucine 227 with valine.
Molecular consequence: missense variant.
Genome position (GRCh38, 1-based): chr10:70,435,498, G>C on the plus strand (C>G on the coding strand, the complement: NODAL is on the minus strand). VCF-style: chr10-70435498-G-C. GRCh37 (hg19) VCF-style: chr10-72195254-G-C.
Other names: c.280C>G, p.Leu94Val (NM_001329906.2); short protein forms L94V, L227V.
Identifiers: ClinVar variation 660583 (VCV000660583.8), dbSNP rs1589152298, ClinGen allele CA376945627.